The following is an entry in ClinVar:

NM_001013703.4(EIF2AK4):c.2205CGA[5] (p.Asp736_Asp737dup)

Gene: EIF2AK4 (eukaryotic translation initiation factor 2 alpha kinase 4; plus strand). Cytogenetic location: 15q15.1.
Variant type: Microsatellite.
Coding change: c.2205CGA[5] on transcript NM_001013703.4 (MANE Select); five copies in a row of the 3-base unit CGA starting at c.2205; the reference has three copies in a row; two copies, 6 bases duplicated; also written c.2208_2213dup.
Protein change: p.Asp736_Asp737dup.
Molecular consequence: inframe insertion.
Genome position (GRCh38, 1-based): chr15:39,976,803-39,976,808, CGACGA duplicated; duplicating any 6 consecutive bases within chr15:39,976,798-39,976,808 gives the same sequence; the position shown is the placement nearest the transcript's 3' end. VCF-style (leftmost placement, unchanged base first): chr15-39976797-G-GGACGAC. GRCh37 (hg19) VCF-style: chr15-40268998-G-GGACGAC.
Other names: NM_001013703.2:c.2208_2213dupCGACGA; c.2208_2213dup (NM_001013703.3).
Identifiers: ClinVar variation 402821 (VCV000402821.29), dbSNP rs377237751, ClinGen allele CA7473950.

ClinVar aggregate classification (germline): Benign/Likely benign. Review status: criteria provided, multiple submitters, no conflicts (2 of 4 stars). 6 submissions from 5 submitters: Benign (4); Likely benign (1). 1 of the submissions does not count toward it. Last evaluated 2026-02-03.

Conditions:
Familial pulmonary capillary hemangiomatosis (PVOD2). Also called: Pulmonary venoocclusive disease 2; Pulmonary venoocclusive disease 2, autosomal recessive. Identifiers: Orphanet 199241, MedGen C0340848, MONDO:0009329, OMIM 234810.

Submissions (6):

Labcorp Genetics (formerly Invitae), Labcorp
Classification: Benign. Last evaluated: 2026-02-03. Review status: criteria provided, single submitter. Criteria: Invitae Variant Classification Sherloc (09022015). Collection method: clinical testing. Allele origin: germline.

ARUP Laboratories, Molecular Genetics and Genomics, ARUP Laboratories
Classification: Benign for Familial pulmonary capillary hemangiomatosis. Last evaluated: 2025-05-26. Review status: criteria provided, single submitter. Criteria: ARUP Molecular Germline Variant Investigation Process 2024. Collection method: clinical testing. Allele origin: germline.

Blueprint Genetics
Classification: Likely benign. Last evaluated: 2024-11-27. Review status: criteria provided, single submitter. Criteria: ACMG Guidelines, 2015. Collection method: clinical testing. Allele origin: germline.

GeneDx
Classification: Benign. Last evaluated: 2016-12-12. Review status: criteria provided, single submitter. Criteria: GeneDx Variant Classification Process June 2021. Collection method: clinical testing. Allele origin: germline. Affected: yes.

Laboratory for Molecular Medicine, Mass General Brigham Personalized Medicine
Classification: Benign. Last evaluated: 2016-03-28. Review status: criteria provided, single submitter. Criteria: LMM Criteria. Collection method: clinical testing. Allele origin: germline.
Comment: Variant identified in a genome or exome case(s) and assessed due to predicted null impact of the variant or pathogenic assertions in the literature or databases. Disclaimer: This variant has not undergone full assessment. The following are preliminary notes: Frequency

GeneDx
Classification: Benign. Last evaluated: 2017-12-11. Review status: flagged submission. Criteria: GeneDx Variant Classification (06012015). Collection method: clinical testing. Allele origin: germline. Affected: yes. Not counted in ClinVar's aggregate classification.
Comment: This variant is considered likely benign or benign based on one or more of the following criteria: it is a conservative change, it occurs at a poorly conserved position in the protein, it is predicted to be benign by multiple in silico algorithms, and/or has population frequency not consistent with disease.
ClinVar note: Reason: This record appears to be redundant with a more recent record from the same submitter.
ClinVar note: Notes: SCV000714081 appears to be redundant with SCV001834334.